The following is an entry in ClinVar:

ClinVar aggregate classification (germline): Likely pathogenic (1 of 4 stars; one submission).

Conditions:
WDR81-related disorder. Also called: WDR81-related condition.

gnomAD v4.1: 20 of 1,550,292 alleles (0.0013%); highest among the groups gnomAD compares: Admixed American, 0.0078%; no homozygotes.

Submission:

GeneDx
Classification: Likely pathogenic. Last evaluated: 2026-01-12. Review status: criteria provided, single submitter. Criteria: GeneDx Variant Classification Process June 2021. Collection method: clinical testing. Allele origin: germline.
Comment: Nonsense variant predicted to result in protein truncation or nonsense mediated decay in a gene for which loss of function is a known mechanism of disease; Not observed at significant frequency in large population cohorts (gnomAD); Has not been previously published as pathogenic or benign to our knowledge

NM_001163809.2(WDR81):c.1585C>T (p.Arg529Ter)

Gene: WDR81 (WD repeat domain 81; plus strand). Cytogenetic location: 17p13.3.
Variant type: single nucleotide variant.
Coding change: c.1585C>T on transcript NM_001163809.2 (MANE Select); coding-DNA position 1585, C replaced by T.
Protein change: p.Arg529Ter; replaces arginine 529 with a stop codon.
Molecular consequence: nonsense. On other transcripts: intron variant (3).
Genome position (GRCh38, 1-based): chr17:1,726,544, C>T. VCF-style: chr17-1726544-C-T. GRCh37 (hg19) VCF-style: chr17-1629838-C-T.
Other names: c.-123-1446C>T (NM_152348.4); c.59-3836C>T (NM_001163673.2); c.-15+1758C>T (NM_001163811.2); short protein forms R529*.
Identifiers: ClinVar variation 1339955 (VCV001339955.3), dbSNP rs779405050, ClinGen allele CA8273056.
Genomic context (GRCh38, chr17:1,726,544, plus strand): 5'-ATGCCTGACCTGGATGTGCCAGCCTGGTGCAGCTCCAGCCAGGAGTTCGTAGCTGCCCAC[C>T]GAGCCCTGCTGGAGAGCCGCGAGGTATCCCGGGACCTGCACCATTGGATCGACCTCACGT-3'